The following is an entry in ClinVar:

ClinVar aggregate classification (germline): Uncertain significance (1 of 4 stars; one submission).

Conditions:
Neuroblastoma, susceptibility to, 3. Also called: ALK-Related Neuroblastic Tumor Susceptibility. Identifiers: Orphanet 635, MedGen C2751681, MONDO:0013083, OMIM 613014.

Submission:

Labcorp Genetics (formerly Invitae), Labcorp
Classification: Uncertain significance for Neuroblastoma, susceptibility to, 3. Last evaluated: 2022-11-01. Review status: criteria provided, single submitter. Criteria: Invitae Variant Classification Sherloc (09022015). Collection method: clinical testing. Allele origin: germline.
Comment: In summary, the available evidence is currently insufficient to determine the role of this variant in disease. Therefore, it has been classified as a Variant of Uncertain Significance. Algorithms developed to predict the effect of missense changes on protein structure and function are either unavailable or do not agree on the potential impact of this missense change (SIFT: "Tolerated"; PolyPhen-2: "Possibly Damaging"; Align-GVGD: "Class C0"). This variant has not been reported in the literature in individuals affected with ALK-related conditions. This variant is not present in population databases (gnomAD no frequency). This sequence change replaces histidine, which is basic and polar, with glutamine, which is neutral and polar, at codon 352 of the ALK protein (p.His352Gln).

NM_004304.5(ALK):c.1056C>G (p.His352Gln)

Gene: ALK (ALK receptor tyrosine kinase; minus strand). Cytogenetic location: 2p23.2.
Variant type: single nucleotide variant.
Coding change: c.1056C>G on transcript NM_004304.5 (MANE Select); coding-DNA position 1056, C replaced by G.
Protein change: p.His352Gln; replaces histidine 352 with glutamine.
Molecular consequence: missense variant.
Genome position (GRCh38, 1-based): chr2:29,532,013, G>C on the plus strand (C>G on the coding strand, the complement: ALK is on the minus strand). VCF-style: chr2-29532013-G-C. GRCh37 (hg19) VCF-style: chr2-29754879-G-C.
Other names: short protein forms H352Q.
Identifiers: ClinVar variation 2811454 (VCV002811454.3), dbSNP rs774038845, ClinGen allele CA346587369.